The following is an entry in ClinVar:

ClinVar aggregate classification (germline): Conflicting classifications of pathogenicity. Review status: criteria provided, conflicting classifications (1 of 4 stars). 2 submissions from 2 submitters: Uncertain significance (1); Likely benign (1). Last evaluated 2023-10-24.

gnomAD v4.1: 23 of 1,610,562 alleles (0.0014%); highest among the groups gnomAD compares: Admixed American, 0.039%; no homozygotes.

Submissions (2):

Labcorp Genetics (formerly Invitae), Labcorp
Classification: Likely benign. Last evaluated: 2023-10-24. Review status: criteria provided, single submitter. Criteria: Invitae Variant Classification Sherloc (09022015). Collection method: clinical testing. Allele origin: germline.

GeneDx
Classification: Uncertain significance. Last evaluated: 2021-09-16. Review status: criteria provided, single submitter. Criteria: GeneDx Variant Classification Process June 2021. Collection method: clinical testing. Allele origin: germline. Affected: yes.
Comment: In silico analysis supports that this missense variant does not alter protein structure/function; Has not been previously published as pathogenic or benign to our knowledge

NM_019885.4(CYP26B1):c.1417C>A (p.Arg473Ser)

Gene: CYP26B1 (cytochrome P450 family 26 subfamily B member 1; minus strand). Cytogenetic location: 2p13.2.
Variant type: single nucleotide variant.
Coding change: c.1417C>A on transcript NM_019885.4 (MANE Select); coding-DNA position 1417, C replaced by A.
Protein change: p.Arg473Ser; replaces arginine 473 with serine.
Molecular consequence: missense variant.
Genome position (GRCh38, 1-based): chr2:72,132,349, G>T on the plus strand (C>A on the coding strand, the complement: CYP26B1 is on the minus strand). VCF-style: chr2-72132349-G-T. GRCh37 (hg19) VCF-style: chr2-72359478-G-T.
Other names: c.1192C>A, p.Arg398Ser (NM_001277742.2); short protein forms R398S, R473S.
Identifiers: ClinVar variation 1201778 (VCV001201778.10), dbSNP rs61751056, ClinGen allele CA1707759.